The following is an entry in ClinVar:

ClinVar aggregate classification (germline): Uncertain significance. Review status: criteria provided, multiple submitters, no conflicts (2 of 4 stars). 10 submissions from 5 submitters: Uncertain significance (7). 3 of the submissions do not count toward it. Last evaluated 2024-06-18.

Conditions:
Cardiovascular phenotype. Identifiers: MedGen CN230736.
Myosin storage myopathy (CMYO7A). Also called: MYOPATHY, HYALINE BODY, AUTOSOMAL DOMINANT; MYOPATHY WITH LYSIS OF TYPE I MYOFIBRILS; Scapuloperoneal myopathy, MYH7-related; SCAPULOPERONEAL MUSCULAR DYSTROPHY; SCAPULOPERONEAL SYNDROME, MYOPATHIC TYPE; MYH7-related late-onset scapuloperoneal muscular dystrophy. Identifiers: Orphanet 437572, Orphanet 636965, MedGen C1842160, MONDO:0008409, OMIM 608358.
Dilated cardiomyopathy 1S (CMD1S). Identifiers: Orphanet 154, Orphanet 54260, MedGen C1834481, MONDO:0013262, OMIM 613426.
Myopathy, myosin storage, autosomal recessive (CMYO7B). Also called: CONGENITAL MYOPATHY 7B, MYOSIN STORAGE, AUTOSOMAL RECESSIVE. Identifiers: Orphanet 636970, MedGen C1850709, MONDO:0009708, OMIM 255160.
MYH7-related skeletal myopathy. Also called: Myopathy, distal, 1; Laing early-onset distal myopathy; MYOPATHY, DISTAL, EARLY-ONSET, AUTOSOMAL DOMINANT; MYOPATHY, LATE DISTAL HEREDITARY; Laing distal myopathy. Identifiers: Orphanet 59135, MedGen C4552004, MONDO:0008050, OMIM 160500.
Hypertrophic cardiomyopathy 1 (CMH1). Also called: Familial hypertrophic cardiomyopathy 1; MYH7-Related Familial Hypertrophic Cardiomyopathy. Identifiers: MedGen C3495498, MONDO:0008647, OMIM 192600.
Hypertrophic cardiomyopathy. Also called: HYPERTROPHIC MYOCARDIOPATHY. Identifiers: Orphanet 217569, MedGen C0007194, MeSH D002312, MONDO:0005045, HP:0001639.

gnomAD v4.1: 4 of 1,614,260 alleles (0.00025%); highest among the groups gnomAD compares: Non-Finnish European, 0.00034%; no homozygotes.

Submissions (10):

Labcorp Genetics (formerly Invitae), Labcorp
Classification: Uncertain significance for Hypertrophic cardiomyopathy. Last evaluated: 2024-06-18. Review status: criteria provided, single submitter. Criteria: Invitae Variant Classification Sherloc (09022015). Collection method: clinical testing. Allele origin: germline.
Comment: This sequence change replaces glutamine, which is neutral and polar, with lysine, which is basic and polar, at codon 209 of the MYH7 protein (p.Gln209Lys). This variant is not present in population databases (gnomAD no frequency). This missense change has been observed in individual(s) with clinical features of dilated cardiomyopathy (PMID: 29540472, 32880476; Invitae). ClinVar contains an entry for this variant (Variation ID: 237442). Advanced modeling of protein sequence and biophysical properties (such as structural, functional, and spatial information, amino acid conservation, physicochemical variation, residue mobility, and thermodynamic stability) has been performed at Invitae for this missense variant, however the output from this modeling did not meet the statistical confidence thresholds required to predict the impact of this variant on MYH7 protein function. This variant is found within a region of MYH7 between codons 181 and 937 that contains the majority of the myosin head domain. Missense variants in this region have been shown to be significantly overrepresented in individuals with hypertrophic cardiomyopathy (PMID: 27532257). In summary, the available evidence is currently insufficient to determine the role of this variant in disease. Therefore, it has been classified as a Variant of Uncertain Significance.

Baylor Genetics
Classification: Uncertain significance for Hypertrophic cardiomyopathy 1. Last evaluated: 2022-12-05. Review status: criteria provided, single submitter. Criteria: ACMG Guidelines, 2015. Collection method: clinical testing. Allele origin: unknown.

Baylor Genetics
Classification: Uncertain significance for Dilated cardiomyopathy 1S. Last evaluated: 2022-12-05. Review status: criteria provided, single submitter. Criteria: ACMG Guidelines, 2015. Collection method: clinical testing. Allele origin: unknown.

Baylor Genetics
Classification: Uncertain significance for Myopathy, myosin storage, autosomal recessive. Last evaluated: 2022-12-05. Review status: criteria provided, single submitter. Criteria: ACMG Guidelines, 2015. Collection method: clinical testing. Allele origin: unknown.

Baylor Genetics
Classification: Uncertain significance for MYH7-related skeletal myopathy. Last evaluated: 2022-12-05. Review status: criteria provided, single submitter. Criteria: ACMG Guidelines, 2015. Collection method: clinical testing. Allele origin: unknown.

Baylor Genetics
Classification: Uncertain significance for Myosin storage myopathy. Last evaluated: 2022-12-05. Review status: criteria provided, single submitter. Criteria: ACMG Guidelines, 2015. Collection method: clinical testing. Allele origin: unknown.

Ambry Genetics
Classification: Uncertain significance for Cardiovascular phenotype. Last evaluated: 2020-02-24. Review status: criteria provided, single submitter. Criteria: Ambry Variant Classification Scheme 2023. Collection method: clinical testing. Allele origin: germline.
Comment: The p.Q209K variant (also known as c.625C>A), located in coding exon 5 of the MYH7 gene, results from a C to A substitution at nucleotide position 625. The glutamine at codon 209 is replaced by lysine, an amino acid with similar properties, and is located in the head domain. This variant was reported in an individual from a dilated cardiomyopathy cohort in whom it may have co-occurred with a second MYH7 variant (Hazebroek MR et al. Circ Heart Fail, 2018 03;11:e004682). A different variant affecting this codon (p.Q209E, c.625C>G) was detected in a hypertrophic cardiomyopathy cohort (Santos S et al. BMC Med. Genet., 2012 Mar;13:17). This amino acid position is well conserved in available vertebrate species; however, lysine is the reference amino acid in other vertebrate species. In addition, this alteration is predicted to be tolerated by in silico analysis. Since supporting evidence is limited at this time, the clinical significance of this alteration remains unclear.

Clinical Genetics DNA and cytogenetics Diagnostics Lab, Erasmus MC, Erasmus Medical Center
Classification: Uncertain significance. Review status: no assertion criteria provided. Collection method: clinical testing. Allele origin: germline. Affected: yes. Study: VKGL Data-share Consensus. Not counted in ClinVar's aggregate classification.

Joint Genome Diagnostic Labs from Nijmegen and Maastricht, Radboudumc and MUMC+
Classification: Uncertain significance. Review status: no assertion criteria provided. Collection method: clinical testing. Allele origin: germline. Affected: yes. Study: VKGL Data-share Consensus. Not counted in ClinVar's aggregate classification.

Baylor Genetics
Classification: Uncertain significance for Myosin storage myopathy. Last evaluated: 2022-12-05. Review status: flagged submission. Criteria: ACMG Guidelines, 2015. Collection method: clinical testing. Allele origin: unknown. Not counted in ClinVar's aggregate classification.
ClinVar note: Reason: This record appears to be redundant with a more recent record from the same submitter.
ClinVar note: Notes: SCV003836051 appears to be redundant with SCV003836061.

Literature cited by the submitters: PubMed 29540472 (cited by Labcorp Genetics (formerly Invitae), Labcorp and Ambry Genetics); PubMed 32880476 (cited by Labcorp Genetics (formerly Invitae), Labcorp); PubMed 27532257 (cited by Labcorp Genetics (formerly Invitae), Labcorp); PubMed 22429680 (cited by Ambry Genetics).

NM_000257.4(MYH7):c.625C>A (p.Gln209Lys)

Gene: MYH7 (myosin heavy chain 7; minus strand). Cytogenetic location: 14q11.2.
Variant type: single nucleotide variant.
Coding change: c.625C>A on transcript NM_000257.4 (MANE Select); coding-DNA position 625, C replaced by A.
Protein change: p.Gln209Lys; replaces glutamine 209 with lysine.
Molecular consequence: missense variant.
Genome position (GRCh38, 1-based): chr14:23,431,775, G>T on the plus strand (C>A on the coding strand, the complement: MYH7 is on the minus strand). VCF-style: chr14-23431775-G-T. GRCh37 (hg19) VCF-style: chr14-23900984-G-T.
Other names: c.625C>A (LRG_384t1); short protein forms Q209K.
Identifiers: ClinVar variation 237442 (VCV000237442.14), dbSNP rs878853840, ClinGen allele CA10583174.
Genomic context (GRCh38, chr14:23,431,775, plus strand): 5'-TCCCTCCCTTTCTGCGGTACAGGACCTTGGAGGGCAGCAGGCCTACCTTGCCCGGGCTCT[G>T]GTCCTTCTTGCTGCGGTCCCCAATGGCTGCAATAACAGCAAAGTACTGGATGACCCTCTT-3'
Protein context (NP_000248.2, residues 199-219): AAIGDRSKKD[Gln209Lys]SPGKGTLEDQ